The following is an entry in ClinVar:

ClinVar aggregate classification (germline): Uncertain significance (1 of 4 stars; one submission).

Submission:

Labcorp Genetics (formerly Invitae), Labcorp
Classification: Uncertain significance. Last evaluated: 2022-10-07. Review status: criteria provided, single submitter. Criteria: Invitae Variant Classification Sherloc (09022015). Collection method: clinical testing. Allele origin: germline.
Comment: In summary, the available evidence is currently insufficient to determine the role of this variant in disease. Therefore, it has been classified as a Variant of Uncertain Significance. Experimental studies and prediction algorithms are not available or were not evaluated, and the functional significance of this variant is currently unknown. This variant has not been reported in the literature in individuals affected with MYLK3-related conditions. This variant results in a copy number gain of the genomic region encompassing exon(s) 10-13 of the MYLK3 gene. This region includes the termination codon of the gene. This copy number gain extends beyond the assayed region for this gene and therefore may encompass additional genes. As the precise location of this event is unknown, it may be in tandem or it may be located elsewhere in the genome.

NC_000016.9:g.(?_46694384)_(46746708_?)dup

Genes: MYLK3 (myosin light chain kinase 3; minus strand), ORC6 (origin recognition complex subunit 6; plus strand), VPS35 (VPS35 retromer complex component; minus strand). Cytogenetic location: 16q11.2.
Variant type: Duplication.
Identifiers: ClinVar variation 2427587 (VCV002427587.4).